The following is an entry in ClinVar:

ClinVar aggregate classification (germline): Uncertain significance. Review status: criteria provided, multiple submitters, no conflicts (2 of 4 stars). 3 submissions from 3 submitters: Uncertain significance (3). Last evaluated 2022-06-06.

Conditions:
Usher syndrome type 3B. Also called: USHER SYNDROME, TYPE IIIB. Identifiers: MedGen C3281066, MONDO:0013788, OMIM 614504.

Allele frequency attached by ClinVar (database versions not stated): gnomAD exomes below 0.00001.
gnomAD v4.1: 1 of 1,614,218 alleles (0.000062%); highest among the groups gnomAD compares: Non-Finnish European, 0.000085%; no homozygotes.

Submissions (3):

Blueprint Genetics
Classification: Uncertain significance. Last evaluated: 2022-06-06. Review status: criteria provided, single submitter. Criteria: ACMG Guidelines, 2015. Collection method: clinical testing. Allele origin: germline.

GeneDx
Classification: Uncertain significance. Last evaluated: 2022-03-10. Review status: criteria provided, single submitter. Criteria: GeneDx Variant Classification Process June 2021. Collection method: clinical testing. Allele origin: germline. Affected: yes.
Comment: Not observed at significant frequency in large population cohorts (gnomAD); In silico analysis supports that this missense variant has a deleterious effect on protein structure/function; Has not been previously published as pathogenic or benign to our knowledge

Labcorp Genetics (formerly Invitae), Labcorp
Classification: Uncertain significance for Usher syndrome type 3B. Last evaluated: 2020-03-14. Review status: criteria provided, single submitter. Criteria: Invitae Variant Classification Sherloc (09022015). Collection method: clinical testing. Allele origin: germline.
Comment: This variant is not present in population databases (ExAC no frequency). In summary, the available evidence is currently insufficient to determine the role of this variant in disease. Therefore, it has been classified as a Variant of Uncertain Significance. Algorithms developed to predict the effect of missense changes on protein structure and function are either unavailable or do not agree on the potential impact of this missense change (SIFT: "Deleterious"; PolyPhen-2: "Probably Damaging"; Align-GVGD: "Class C0"). This variant has not been reported in the literature in individuals with HARS-related conditions. This sequence change replaces glutamic acid with lysine at codon 387 of the HARS protein (p.Glu387Lys). The glutamic acid residue is highly conserved and there is a small physicochemical difference between glutamic acid and lysine.

NM_002109.6(HARS1):c.1159G>A (p.Glu387Lys)

Gene: HARS1 (histidyl-tRNA synthetase 1; minus strand). Cytogenetic location: 5q31.3.
Variant type: single nucleotide variant.
Coding change: c.1159G>A on transcript NM_002109.6 (MANE Select); coding-DNA position 1159, G replaced by A.
Protein change: p.Glu387Lys; replaces glutamic acid 387 with lysine.
Molecular consequence: missense variant.
Genome position (GRCh38, 1-based): chr5:140,676,689, C>T on the plus strand (G>A on the coding strand, the complement: HARS1 is on the minus strand). VCF-style: chr5-140676689-C-T. GRCh37 (hg19) VCF-style: chr5-140056274-C-T.
Other names: c.1039G>A, p.Glu347Lys (NM_001258040.3); c.1099G>A, p.Glu367Lys (NM_001258041.3); c.979G>A, p.Glu327Lys (NM_001258042.3); c.937G>A, p.Glu313Lys (NM_001289092.2); c.817G>A, p.Glu273Lys (NM_001289093.2); c.1072G>A, p.Glu358Lys (NM_001289094.2); short protein forms E358K, E273K, E313K, E327K, E367K, E347K, E387K.
Identifiers: ClinVar variation 1046782 (VCV001046782.12), dbSNP rs1758380241, ClinGen allele CA361250672.